The following is an entry in ClinVar:

NM_001447.3(FAT2):c.2652del (p.Glu884fs)

Gene: FAT2 (FAT atypical cadherin 2; minus strand). Cytogenetic location: 5q33.1.
Variant type: Deletion.
Coding change: c.2652del on transcript NM_001447.3 (MANE Select); coding-DNA position 2652, one base deleted (A; older notation c.2652delA).
Protein change: p.Glu884fs; shifts the reading frame from glutamic acid 884.
Molecular consequence: frameshift variant.
Genome position (GRCh38, 1-based): chr5:151,566,280, T deleted on the plus strand (A on the coding strand, the reverse complement: FAT2 is on the minus strand); the first of 2 consecutive T bases (chr5:151,566,280-151,566,281); deleting either gives the same sequence. VCF-style (leftmost placement, unchanged base first): chr5-151566279-AT-A. GRCh37 (hg19) VCF-style: chr5-150945840-AT-A.
Other names: short protein forms E884fs.
Identifiers: ClinVar variation 2109200 (VCV002109200.4), dbSNP rs2480014134, ClinGen allele CA2580073909.

ClinVar aggregate classification (germline): Uncertain significance (1 of 4 stars; one submission).

Submission:

Labcorp Genetics (formerly Invitae), Labcorp
Classification: Uncertain significance. Last evaluated: 2025-10-22. Review status: criteria provided, single submitter. Criteria: Invitae Variant Classification Sherloc (09022015). Collection method: clinical testing. Allele origin: germline.
Comment: This sequence change creates a premature translational stop signal (p.Glu884Aspfs*28) in the FAT2 gene. It is expected to result in an absent or disrupted protein product. However, the current clinical and genetic evidence is not sufficient to establish whether loss-of-function variants in FAT2 cause disease. This variant is not present in population databases (gnomAD no frequency). This variant has not been reported in the literature in individuals affected with FAT2-related conditions. ClinVar contains an entry for this variant (Variation ID: 2109200). In summary, the available evidence is currently insufficient to determine the role of this variant in disease. Therefore, it has been classified as a Variant of Uncertain Significance.